The following is an entry in ClinVar:

NM_004006.3(DMD):c.11044G>C (p.Glu3682Gln)

Gene: DMD (dystrophin; minus strand). Cytogenetic location: Xp21.2.
Variant type: single nucleotide variant.
Coding change: c.11044G>C on transcript NM_004006.3 (MANE Select); coding-DNA position 11044, G replaced by C.
Protein change: p.Glu3682Gln; replaces glutamic acid 3682 with glutamine.
Molecular consequence: missense variant. On other transcripts: intron variant (5).
Genome position (GRCh38, 1-based): chrX:31,126,644, C>G on the plus strand (G>C on the coding strand, the complement: DMD is on the minus strand). VCF-style: chrX-31126644-C-G. GRCh37 (hg19) VCF-style: chrX-31144761-C-G.
Other names: c.11020G>C, p.Glu3674Gln (NM_000109.4); c.11032G>C, p.Glu3678Gln (NM_004009.3); c.10675G>C, p.Glu3559Gln (NM_004010.3); c.7021G>C, p.Glu2341Gln (NM_004011.4); c.7012G>C, p.Glu2338Gln (NM_004012.4); c.3664G>C, p.Glu1222Gln (NM_004013.3); c.2857G>C, p.Glu953Gln (NM_004014.3); c.1840G>C, p.Glu614Gln (NM_004015.3); and 7 more; short protein forms E601Q, E1112Q, E3678Q, E1222Q, E2338Q, E3674Q, E3682Q, E614Q.
Identifiers: ClinVar variation 2154885 (VCV002154885.4), dbSNP rs1177428396, ClinGen allele CA412654951.

ClinVar aggregate classification (germline): Uncertain significance (1 of 4 stars; one submission).

Conditions:
Duchenne muscular dystrophy (DMD). Also called: MUSCULAR DYSTROPHY, PSEUDOHYPERTROPHIC PROGRESSIVE, DUCHENNE TYPE; Duchenne Muscular Dystrophy (DMD). Identifiers: Orphanet 98896, MedGen C0013264, MONDO:0010679, OMIM 310200.

Allele frequency attached by ClinVar (database versions not stated): gnomAD exomes below 0.00001; TOPMed below 0.00001.
gnomAD v4.1: 3 of 1,200,678 alleles (0.00025%); highest among the groups gnomAD compares: Non-Finnish European, 0.00034%; no homozygotes.

Submission:

Labcorp Genetics (formerly Invitae), Labcorp
Classification: Uncertain significance for Duchenne muscular dystrophy. Last evaluated: 2025-06-18. Review status: criteria provided, single submitter. Criteria: Invitae Variant Classification Sherloc (09022015). Collection method: clinical testing. Allele origin: germline.
Comment: This sequence change replaces glutamic acid, which is acidic and polar, with glutamine, which is neutral and polar, at codon 3682 of the DMD protein (p.Glu3682Gln). This variant is not present in population databases (gnomAD no frequency). This variant has not been reported in the literature in individuals affected with DMD-related conditions. ClinVar contains an entry for this variant (Variation ID: 2154885). Invitae Evidence Modeling of protein sequence and biophysical properties (such as structural, functional, and spatial information, amino acid conservation, physicochemical variation, residue mobility, and thermodynamic stability) indicates that this missense variant is not expected to disrupt DMD protein function with a negative predictive value of 95%. In summary, the available evidence is currently insufficient to determine the role of this variant in disease. Therefore, it has been classified as a Variant of Uncertain Significance.